The following is an entry in ClinVar:

ClinVar aggregate classification (germline): Uncertain significance (1 of 4 stars; one submission).

gnomAD v4.1: 4 of 1,612,792 alleles (0.00025%); highest among the groups gnomAD compares: Admixed American, 0.005%; no homozygotes.

Submission:

Labcorp Genetics (formerly Invitae), Labcorp
Classification: Uncertain significance. Last evaluated: 2022-09-19. Review status: criteria provided, single submitter. Criteria: Invitae Variant Classification Sherloc (09022015). Collection method: clinical testing. Allele origin: germline.
Comment: This sequence change replaces glutamic acid, which is acidic and polar, with aspartic acid, which is acidic and polar, at codon 870 of the LRPPRC protein (p.Glu870Asp). This variant is not present in population databases (gnomAD no frequency). In summary, the available evidence is currently insufficient to determine the role of this variant in disease. Therefore, it has been classified as a Variant of Uncertain Significance. Advanced modeling of protein sequence and biophysical properties (such as structural, functional, and spatial information, amino acid conservation, physicochemical variation, residue mobility, and thermodynamic stability) performed at Invitae indicates that this missense variant is not expected to disrupt LRPPRC protein function. ClinVar contains an entry for this variant (Variation ID: 1379257). This variant has not been reported in the literature in individuals affected with LRPPRC-related conditions.

NM_133259.4(LRPPRC):c.2610G>T (p.Glu870Asp)

Gene: LRPPRC (leucine rich pentatricopeptide repeat containing; minus strand). Cytogenetic location: 2p21.
Variant type: single nucleotide variant.
Coding change: c.2610G>T on transcript NM_133259.4 (MANE Select); coding-DNA position 2610, G replaced by T.
Protein change: p.Glu870Asp; replaces glutamic acid 870 with aspartic acid.
Molecular consequence: missense variant.
Genome position (GRCh38, 1-based): chr2:43,934,773, C>A on the plus strand (G>T on the coding strand, the complement: LRPPRC is on the minus strand). VCF-style: chr2-43934773-C-A. GRCh37 (hg19) VCF-style: chr2-44161912-C-A.
Other names: short protein forms E870D.
Identifiers: ClinVar variation 1379257 (VCV001379257.4), dbSNP rs139192988, ClinGen allele CA346671618.
Genomic context (GRCh38, chr2:43,934,773, plus strand): 5'-GGGAAAAAAAAACTACATTAAGATACTAGAAAGTGACTCACCTTTCTGAATTAGATCAGT[C>A]TCGCCTTTCTCTACCAGTTTACACAAGACATCATGAATCCTTGGTAATACTTTATACTTT-3'
Protein context (NP_573566.2, residues 860-880): DVLCKLVEKG[Glu870Asp]TDLIQKAMDF